The following is an entry in ClinVar:

ClinVar aggregate classification (germline): Likely benign (1 of 4 stars; one submission).

Submission:

CeGaT Center for Human Genetics Tuebingen
Classification: Likely benign. Last evaluated: 2026-02-01. Review status: criteria provided, single submitter. Criteria: CeGaT Center For Human Genetics Tuebingen Variant Classification Criteria Version 2. Collection method: clinical testing. Allele origin: germline. Affected: yes. Observed: 1 variant allele.
Comment: CLCC1: PM2:Supporting, BP4, BP7

NM_001377458.1(CLCC1):c.1374G>A (p.Val458=)

Gene: CLCC1 (chloride channel CLIC like 1; minus strand). Cytogenetic location: 1p13.3.
Variant type: single nucleotide variant.
Coding change: c.1374G>A on transcript NM_001377458.1 (MANE Select); coding-DNA position 1374, G replaced by A.
Protein change: p.Val458=; no amino-acid change (valine 458 retained).
Molecular consequence: synonymous variant. On other transcripts: non-coding transcript variant (1).
Genome position (GRCh38, 1-based): chr1:108,937,086, C>T on the plus strand (G>A on the coding strand, the complement: CLCC1 is on the minus strand). VCF-style: chr1-108937086-C-T. GRCh37 (hg19) VCF-style: chr1-109479708-C-T.
Other names: c.1374G>A, p.Val458= (NM_001377464.1, NM_001377465.1, NM_001377466.1 and 8 more transcripts); c.1272G>A, p.Val424= (NM_001377469.1); c.1083G>A, p.Val361= (NM_001377470.1); c.1224G>A, p.Val408= (NM_015127.5); c.1011G>A, p.Val337= (NM_001278202.2); c.819G>A, p.Val273= (NM_001278203.1).
Identifiers: ClinVar variation 4823307 (VCV004823307.4).
Genomic context (GRCh38, chr1:108,937,086, plus strand): 5'-ATTTAGAACCAGTAATGAAGGGACAGCAGAATAAAAGAGTTGCTGACTTACACTGGGTAC[C>T]ACCGTGGGATGCTCTCGTGCCTCTGCGTCTGGTACATCAAATGCCCGGAGCACTTCAGGG-3'
Protein context (NP_001364387.1, residues 448-468): PDAEAREHPT[Val458=]VPSHKSPVLD